The following is an entry in ClinVar:

ClinVar aggregate classification (germline): Conflicting classifications of pathogenicity. Review status: criteria provided, conflicting classifications (1 of 4 stars). 3 submissions from 3 submitters: Uncertain significance (2); Likely benign (1). Last evaluated 2025-10-29.

Conditions:
Predisposition to invasive fungal disease due to CARD9 deficiency (IMD103). Also called: CARD9 IMMUNODEFICIENCY; Candidiasis, familial, 2, autosomal recessive; IMMUNODEFICIENCY 103, SUSCEPTIBILITY TO FUNGAL INFECTIONS. Identifiers: Orphanet 457088, MedGen C1859353, MONDO:0008905, OMIM 212050.

Allele frequency attached by ClinVar (database versions not stated): ESP Exome Variant Server 0.00008; 1000 Genomes Project 0.00020; gnomAD 0.00022 and 0.00023; gnomAD exomes 0.00023 and 0.00027; TOPMed 0.00027; 1000 Genomes Project 30x 0.00031; ExAC 0.00031.
gnomAD v4.1: 428 of 1,611,214 alleles (0.027%); highest among the groups gnomAD compares: Middle Eastern, 0.033%; no homozygotes.

Submissions (3):

Labcorp Genetics (formerly Invitae), Labcorp
Classification: Uncertain significance for Predisposition to invasive fungal disease due to CARD9 deficiency. Last evaluated: 2025-10-29. Review status: criteria provided, single submitter. Criteria: Invitae Variant Classification Sherloc (09022015). Collection method: clinical testing. Allele origin: germline.
Comment: This sequence change replaces serine, which is neutral and polar, with asparagine, which is neutral and polar, at codon 172 of the CARD9 protein (p.Ser172Asn). This variant is present in population databases (rs201802044, gnomAD 0.04%). This variant has not been reported in the literature in individuals affected with CARD9-related conditions. ClinVar contains an entry for this variant (Variation ID: 914850). Invitae Evidence Modeling of protein sequence and biophysical properties (such as structural, functional, and spatial information, amino acid conservation, physicochemical variation, residue mobility, and thermodynamic stability) indicates that this missense variant is not expected to disrupt CARD9 protein function with a negative predictive value of 80%. In summary, the available evidence is currently insufficient to determine the role of this variant in disease. Therefore, it has been classified as a Variant of Uncertain Significance.

Blueprint Genetics
Classification: Likely benign. Last evaluated: 2024-10-15. Review status: criteria provided, single submitter. Criteria: ACMG Guidelines, 2015. Collection method: clinical testing. Allele origin: germline.

Illumina Laboratory Services, Illumina
Classification: Uncertain significance for Predisposition to invasive fungal disease due to CARD9 deficiency. Last evaluated: 2018-01-13. Review status: criteria provided, single submitter. Criteria: ICSL Variant Classification Criteria 13 December 2019. Collection method: clinical testing. Allele origin: germline.

NM_052813.5(CARD9):c.515G>A (p.Ser172Asn)

Gene: CARD9 (caspase recruitment domain family member 9; minus strand). Cytogenetic location: 9q34.3.
Variant type: single nucleotide variant.
Coding change: c.515G>A on transcript NM_052813.5 (MANE Select); coding-DNA position 515, G replaced by A.
Protein change: p.Ser172Asn; replaces serine 172 with asparagine.
Molecular consequence: missense variant.
Genome position (GRCh38, 1-based): chr9:136,370,953, C>T on the plus strand (G>A on the coding strand, the complement: CARD9 is on the minus strand). VCF-style: chr9-136370953-C-T. GRCh37 (hg19) VCF-style: chr9-139265405-C-T.
Other names: c.515G>A, p.Ser172Asn (NM_052814.4); short protein forms S172N.
Identifiers: ClinVar variation 914850 (VCV000914850.13), dbSNP rs201802044, ClinGen allele CA5333111.